The following is an entry in ClinVar:

ClinVar aggregate classification (germline): Pathogenic (1 of 4 stars; one submission).

Conditions:
Biotin-responsive basal ganglia disease (BTBGD). Also called: Thiamine metabolism dysfunction syndrome 2 (biotin- or thiamine-responsive encephalopathy type 2); thiamine-responsive encephalopathy; THIAMINE METABOLISM DYSFUNCTION SYNDROME 2 (BIOTIN- AND THIAMINE-RESPONSIVE TYPE); Thiamine Transporter-2 Deficiency; Thiamine metabolism dysfunction syndrome type 2. Identifiers: Orphanet 199348, Orphanet 65284, MedGen C1843807, MONDO:0011841, OMIM 607483.

gnomAD v4.1: 1 of 1,613,916 alleles (0.000062%); highest among the groups gnomAD compares: Non-Finnish European, 0.000085%; no homozygotes.

Submission:

Labcorp Genetics (formerly Invitae), Labcorp
Classification: Pathogenic for Biotin-responsive basal ganglia disease. Last evaluated: 2023-06-03. Review status: criteria provided, single submitter. Criteria: Invitae Variant Classification Sherloc (09022015). Collection method: clinical testing. Allele origin: germline.
Comment: This sequence change creates a premature translational stop signal (p.Tyr4*) in the SLC19A3 gene. It is expected to result in an absent or disrupted protein product. Loss-of-function variants in SLC19A3 are known to be pathogenic (PMID: 23423671, 23482991). This variant is not present in population databases (gnomAD no frequency). This variant has not been reported in the literature in individuals affected with SLC19A3-related conditions. For these reasons, this variant has been classified as Pathogenic.

Literature cited by the submitters: PubMed 23423671; PubMed 23482991.

NM_025243.4(SLC19A3):c.12C>G (p.Tyr4Ter)

Gene: SLC19A3 (solute carrier family 19 member 3; minus strand). Cytogenetic location: 2q36.3.
Variant type: single nucleotide variant.
Coding change: c.12C>G on transcript NM_025243.4 (MANE Select); coding-DNA position 12, C replaced by G.
Protein change: p.Tyr4Ter; replaces tyrosine 4 with a stop codon.
Molecular consequence: nonsense. On other transcripts: 5 prime UTR variant (2).
Genome position (GRCh38, 1-based): chr2:227,702,307, G>C on the plus strand (C>G on the coding strand, the complement: SLC19A3 is on the minus strand). VCF-style: chr2-227702307-G-C. GRCh37 (hg19) VCF-style: chr2-228567023-G-C.
Other names: c.-197C>G (NM_001371413.1, NM_001371414.1); c.12C>G, p.Tyr4Ter (NM_001371411.1, NM_001371412.1); short protein forms Y4*.
Identifiers: ClinVar variation 2759263 (VCV002759263.3), dbSNP rs2470581058, ClinGen allele CA350878136.
Genomic context (GRCh38, chr2:227,702,307, plus strand): 5'-AAAACCAAATAAGCAGAGGATCACAGTGGGGTAAATCCAGGAACTGCTTAGTGAAGTTCT[G>C]TAACAATCCATGGCTGATCAAATGGAAACAAAGAGAAAATTAAGTGATGCTTATTCTTTT-3'